The following is an entry in ClinVar:

NM_000523.4(HOXD13):c.209_210insGGCTGCGGCGGCGGCAGCGGC (p.Ala65_Ala71dup)

Gene: HOXD13 (homeobox D13; plus strand). Cytogenetic location: 2q31.1.
Variant type: Insertion.
Coding change: c.209_210insGGCTGCGGCGGCGGCAGCGGC on transcript NM_000523.4 (MANE Select); coding-DNA positions 209 to 210, GGCTGCGGCGGCGGCAGCGGC inserted.
Protein change: p.Ala65_Ala71dup.
Molecular consequence: inframe insertion.
Genome position: GRCh38 VCF-style: chr2-176093094-G-GGCGGCGGCTGCGGCGGCGGCA. GRCh37 (hg19) VCF-style: chr2-176957822-G-GGCGGCGGCTGCGGCGGCGGCA.
Identifiers: ClinVar variation 14873 (VCV000014873.6), dbSNP rs878854345, ClinGen allele CA10575528.

ClinVar aggregate classification (germline): Pathogenic. Review status: criteria provided, multiple submitters, no conflicts (2 of 4 stars). 3 submissions from 3 submitters: Pathogenic (2). 1 of the submissions does not count toward it. Last evaluated 2023-04-13.

Conditions:
Syndactyly type 5. Also called: Syndactyly, type V; SYNDACTYLY WITH METACARPAL AND METATARSAL FUSION; Syndactyly with associated metacarpal and metatarsal fusion. Identifiers: Orphanet 93406, MedGen C1861348, MONDO:0008516, OMIM 186300.
Synpolydactyly type 1. Identifiers: Orphanet 295195, MedGen C5574994, MONDO:0008513, OMIM 186000.

Submissions (3):

Baylor Genetics
Classification: Pathogenic for Syndactyly type 5. Last evaluated: 2023-04-13. Review status: criteria provided, single submitter. Criteria: ACMG Guidelines, 2015. Collection method: clinical testing. Allele origin: unknown.

Institute for Genomic Medicine, Nationwide Children's Hospital
Classification: Pathogenic for Synpolydactyly type 1. Last evaluated: 2021-03-25. Review status: criteria provided, single submitter. Criteria: ACMG Guidelines, 2015. Collection method: research. Allele origin: inherited. Inheritance: Autosomal dominant inheritance. Affected: yes. Observed: 2 variant alleles, 2 heterozygotes. Clinical features observed: Polysyndactyly of hands/feet.
Comment: The c.209_210insGGCTGCGGCGGCGGCAGCGGC variant is predicted to cause a 7-residue expansion of the polyalanine tract in exon 1 of HOXD13. This variant was first reported to cause dominant synpolydactyly more than 20 years ago and has been described in multiple unrelated synpolydactyly kindreds (PMID: 9207113). In our research study, we sequenced three members of a family with four documented generations of polysyndactyly. The variant is absent from population frequency databases (gnomAD). Functional studies of the polyalanine repeat in exon 1 have shown that an increase of the Ala repeat above a certain length (22 Ala) is associated with a shift in the localization of Hoxd13 from nuclear to cytoplasmic, where it forms large amorphous aggregates (PMID: 15333588). We interpret the variant as pathogenic.

OMIM
Classification: Pathogenic for SYNDACTYLY, TYPE V. Last evaluated: 2005-11-01. Review status: no assertion criteria provided. Collection method: literature only. Allele origin: germline. Not counted in ClinVar's aggregate classification.

Literature cited by the submitters: PubMed 9207113 (cited by Institute for Genomic Medicine, Nationwide Children's Hospital); PubMed 15333588 (cited by Institute for Genomic Medicine, Nationwide Children's Hospital); Kemp, T., Ravn, J. Ueber erbliche Hand-und Fussdeformitaeten in einem 140-koepfigen Geschlecht, nebst einigen Bemerkungen ueber Poly-und Syndaktylie beim Menschen. Acta Psychiat. Neurol. Scand. 7: 275-296, 1932. (cited by OMIM); PubMed 215242 (cited by OMIM); PubMed 16222680 (cited by OMIM).